The following is an entry in ClinVar:

NM_002972.4(SBF1):c.1837C>T (p.Arg613Cys)

Gene: SBF1 (SET binding factor 1; minus strand). Cytogenetic location: 22q13.33.
Variant type: single nucleotide variant.
Coding change: c.1837C>T on transcript NM_002972.4 (MANE Select); coding-DNA position 1837, C replaced by T.
Protein change: p.Arg613Cys; replaces arginine 613 with cysteine.
Molecular consequence: missense variant.
Genome position (GRCh38, 1-based): chr22:50,463,345, G>A on the plus strand (C>T on the coding strand, the complement: SBF1 is on the minus strand). VCF-style: chr22-50463345-G-A. GRCh37 (hg19) VCF-style: chr22-50901774-G-A.
Other names: c.1840C>T, p.Arg614Cys (NM_001365819.1); short protein forms R614C, R613C.
Identifiers: ClinVar variation 1376666 (VCV001376666.6), dbSNP rs781568455, ClinGen allele CA10317507.

ClinVar aggregate classification (germline): Uncertain significance (1 of 4 stars; one submission).

Allele frequency attached by ClinVar (database versions not stated): ExAC 0.00001; gnomAD 0.00001; TOPMed 0.00002.
gnomAD v4.1: 19 of 1,611,786 alleles (0.0012%); highest among the groups gnomAD compares: African/African-American, 0.004%; no homozygotes.

Submission:

Labcorp Genetics (formerly Invitae), Labcorp
Classification: Uncertain significance. Last evaluated: 2021-03-26. Review status: criteria provided, single submitter. Criteria: Invitae Variant Classification Sherloc (09022015). Collection method: clinical testing. Allele origin: germline.
Comment: In summary, the available evidence is currently insufficient to determine the role of this variant in disease. Therefore, it has been classified as a Variant of Uncertain Significance. Algorithms developed to predict the effect of missense changes on protein structure and function are either unavailable or do not agree on the potential impact of this missense change (SIFT: "Deleterious"; PolyPhen-2: "Probably Damaging"; Align-GVGD: "Class C0"). This variant has not been reported in the literature in individuals with SBF1-related conditions. This variant is present in population databases (rs781568455, ExAC 0.007%). This sequence change replaces arginine with cysteine at codon 613 of the SBF1 protein (p.Arg613Cys). The arginine residue is moderately conserved and there is a large physicochemical difference between arginine and cysteine.